The following is an entry in ClinVar:

ClinVar aggregate classification (germline): Conflicting classifications of pathogenicity. Review status: criteria provided, conflicting classifications (1 of 4 stars). 15 submissions from 15 submitters: Uncertain significance (1); Likely benign (9). 5 of the submissions do not count toward it. Last evaluated 2026-01-10.

Conditions:
BRCA2-related cancer predisposition. Identifiers: MedGen CN377758, MONDO:0700269.
Hereditary cancer. Identifiers: MedGen C1333600.
Hereditary cancer-predisposing syndrome. Also called: Tumor predisposition; Neoplastic Syndromes, Hereditary; Hereditary neoplastic syndrome; Hereditary Cancer Syndrome. Identifiers: Orphanet 140162, MedGen C0027672, MeSH D009386, MONDO:0015356.
Hereditary breast ovarian cancer syndrome. Also called: Hereditary breast and ovarian cancer; Hereditary breast and ovarian cancer syndrome (HBOC); Hereditary breast and/or ovarian cancer syndrome; Breast and ovarian cancer; Hereditary breast and ovarian cancer syndrome; BRCA1- and BRCA2-Associated Hereditary Breast and Ovarian Cancer. Identifiers: Orphanet 145, MedGen C0677776, MeSH D061325, MONDO:0003582. Disease mechanism: loss of function.
Breast-ovarian cancer, familial, susceptibility to, 2 (BROVCA2). Also called: BRCA2 Hereditary Breast and Ovarian Cancer. Identifiers: Orphanet 145, MedGen C2675520, MONDO:0012933, OMIM 612555. Disease mechanism: loss of function.

Allele frequency attached by ClinVar (database versions not stated): TOPMed 0.00001; gnomAD 0.00002; ExAC 0.00003; gnomAD exomes 0.00003.
gnomAD v4.1: 36 of 1,613,672 alleles (0.0022%); highest among the groups gnomAD compares: East Asian, 0.0089%; no homozygotes.

Submissions (15):

Labcorp Genetics (formerly Invitae), Labcorp
Classification: Likely benign for Hereditary breast ovarian cancer syndrome. Last evaluated: 2026-01-10. Review status: criteria provided, single submitter. Criteria: Invitae Variant Classification Sherloc (09022015). Collection method: clinical testing. Allele origin: germline.

Quest Diagnostics Nichols Institute San Juan Capistrano
Classification: Likely benign. Last evaluated: 2025-10-23. Review status: criteria provided, single submitter. Criteria: Quest Diagnostics criteria. Collection method: clinical testing. Allele origin: unknown.

Center for Genomic Medicine, Rigshospitalet, Copenhagen University Hospital
Classification: Likely benign. Last evaluated: 2025-03-04. Review status: criteria provided, single submitter. Criteria: ACMG Guidelines, 2015. Collection method: clinical testing. Allele origin: germline.

Mendelics
Classification: Likely benign for Hereditary cancer. Last evaluated: 2025-02-27. Review status: criteria provided, single submitter. Criteria: ACMG Guidelines, 2015. Collection method: clinical testing. Allele origin: unknown.
Comment: This variant is considered likely benign or benign based on one or more of the following: it is predicted to be benign by multiple in silico algorithms, and/or has population frequency not consistent with disease, and/or has normal protein function, and/or has lack of segregation with disease, and/or has been detected in co-occurrence with known pathogenic variant, and/or has lack of disease association in case-control studies, and/or is located in a region inconsistent with a known cause of pathogenicity.

Women's Health and Genetics/Laboratory Corporation of America, LabCorp
Classification: Likely benign. Last evaluated: 2025-01-24. Review status: criteria provided, single submitter. Criteria: LabCorp Variant Classification Summary - May 2015. Collection method: clinical testing. Allele origin: germline.
Comment: Variant summary: BRCA2 c.8360G>A (p.Arg2787His) results in a non-conservative amino acid change located in the BRCA2, OB1 domain (IPR015187) of the encoded protein sequence. Four of five in-silico tools predict a damaging effect of the variant on protein function. The variant allele was found at a frequency of 3.5e-05 in 282802 control chromosomes (gnomAD). This frequency is not significantly higher than expected for a pathogenic variant in BRCA2 causing Hereditary Breast And Ovarian Cancer Syndrome (3.5e-05 vs 0.00075), allowing no conclusion about variant significance. Multifactorial probability models, performing systematic assessments of variants of unknown significance in the BRCA genes, which included analysis of co-occurrence in trans with known deleterious mutations, personal and family history of cancer, tumor pathology and co-segregation with disease in pedigrees, predicted this variant to be neutral (Lindor_2012, Guidugli_2013). c.8360G>A has been reported in the literature in individuals affected with breast cancer and/or ovarian cancer as well as in one individual with a history of LS-associated cancer and/or colorectal polyps (Riahi_2015, Yurgelun_2015, Eoh_2017). These reports do not provide unequivocal conclusions about association of the variant with Hereditary Breast And Ovarian Cancer Syndrome. In addition, at least one co-occurrence with another pathogenic variant has been reported (BRCA1 c.928C>T, p.Gln310Ter), providing supporting evidence for a benign role (Eoh_2017). Functional studies report this variant has no impact on protein function based on HDR assay results (Guidugli_2012, Hart_2018, Mesman_2018). The following publications have been ascertained in the context of this evaluation (PMID: 29310832, 28814288, 29020732, 29580235, 29394989, 23108138, 24323938, 29884841, 19043619, 21990134, 29988080, 24372583, 27211102, 11929857, 25980754). ClinVar contains an entry for this variant (Variation ID: 38156). Based on the evidence outlined above, the variant was classified as likely benign.

All of Us Research Program, National Institutes of Health
Classification: Likely benign for BRCA2-related cancer predisposition. Last evaluated: 2024-07-29. Review status: criteria provided, single submitter. Criteria: ACMG Guidelines, 2015. Collection method: clinical testing. Allele origin: germline. Inheritance: Autosomal dominant inheritance. Observed: 3 variant alleles, 3 heterozygotes.
Comment: This study involves interpretation of variants in research participants for the purpose of population health screening. Participant phenotype was not available at the time of variant classification. Additional details can be found in publication PMID: 35346344, PMCID: PMC8962531

Color Diagnostics, LLC DBA Color Health
Classification: Likely benign for Hereditary cancer-predisposing syndrome. Last evaluated: 2021-11-02. Review status: criteria provided, single submitter. Criteria: ACMG Guidelines, 2015. Collection method: clinical testing. Allele origin: germline.

Department of Pathology and Laboratory Medicine, Sinai Health System
Classification: Uncertain significance for BRCA2-related cancer predisposition. Last evaluated: 2021-04-27. Review status: criteria provided, single submitter. Criteria: ACMG Guidelines, 2015. Collection method: clinical testing. Allele origin: germline. Affected: yes.

Ambry Genetics
Classification: Likely benign for Hereditary cancer-predisposing syndrome. Last evaluated: 2019-10-29. Review status: criteria provided, single submitter. Criteria: Ambry Variant Classification Scheme 2023. Collection method: clinical testing. Allele origin: germline.

GeneDx
Classification: Likely benign. Last evaluated: 2018-09-07. Review status: criteria provided, single submitter. Criteria: GeneDx Variant Classification Process June 2021. Collection method: clinical testing. Allele origin: germline. Affected: yes.
Comment: This variant is associated with the following publications: (PMID: 19043619, 25980754, 25348012, 21990134, 11929857, 24323938, 24372583, 26158448, 26659599, 27211102, 23108138, 29020732, 29394989, 29310832, 28814288, 29988080, 29884841)

Counsyl
Classification: Likely benign for Breast-ovarian cancer, familial, susceptibility to, 2. Last evaluated: 2016-04-28. Review status: no assertion criteria provided. Collection method: clinical testing. Allele origin: unknown. Not counted in ClinVar's aggregate classification.

Sharing Clinical Reports Project (SCRP)
Classification: Uncertain significance for Breast-ovarian cancer, familial 2. Last evaluated: 2012-02-29. Review status: no assertion criteria provided. Collection method: clinical testing. Allele origin: germline. Not counted in ClinVar's aggregate classification.

Breast Cancer Information Core (BIC) (BRCA2)
Classification: Uncertain significance for Breast-ovarian cancer, familial 2. Last evaluated: 2002-05-29. Review status: no assertion criteria provided. Collection method: clinical testing. Allele origin: germline, somatic. Affected: yes. Observed: 2 variant alleles. Not counted in ClinVar's aggregate classification.

Diagnostic Laboratory, Department of Genetics, University Medical Center Groningen
Classification: Uncertain significance. Review status: no assertion criteria provided. Collection method: clinical testing. Allele origin: germline. Affected: yes. Study: VKGL Data-share Consensus. Not counted in ClinVar's aggregate classification.

Joint Genome Diagnostic Labs from Nijmegen and Maastricht, Radboudumc and MUMC+
Classification: Uncertain significance. Review status: no assertion criteria provided. Collection method: clinical testing. Allele origin: germline. Affected: yes. Study: VKGL Data-share Consensus. Not counted in ClinVar's aggregate classification.

Literature cited by the submitters: PubMed 33471991 (cited by Quest Diagnostics Nichols Institute San Juan Capistrano); PubMed 30287823 (cited by Quest Diagnostics Nichols Institute San Juan Capistrano and Department of Pathology and Laboratory Medicine, Sinai Health System); PubMed 21990134 (cited by 3 submitters); PubMed 29884841 (cited by Quest Diagnostics Nichols Institute San Juan Capistrano and Women's Health and Genetics/Laboratory Corporation of America, LabCorp); PubMed 39779848 (cited by Quest Diagnostics Nichols Institute San Juan Capistrano); PubMed 39451174 (cited by Quest Diagnostics Nichols Institute San Juan Capistrano); PubMed 37731132 (cited by Quest Diagnostics Nichols Institute San Juan Capistrano); PubMed 37349538 (cited by Quest Diagnostics Nichols Institute San Juan Capistrano); PubMed 35736817 (cited by Quest Diagnostics Nichols Institute San Juan Capistrano); PubMed 31131967 (cited by Quest Diagnostics Nichols Institute San Juan Capistrano); PubMed 24372583 (cited by 5 submitters); PubMed 8665505 (cited by Quest Diagnostics Nichols Institute San Juan Capistrano and Department of Pathology and Laboratory Medicine, Sinai Health System); PubMed 23108138 (cited by 4 submitters); PubMed 25980754 (cited by 4 submitters); PubMed 28159408 (cited by Quest Diagnostics Nichols Institute San Juan Capistrano); PubMed 29988080 (cited by 4 submitters); PubMed 29310832 (cited by 4 submitters); PubMed 27211102 (cited by Quest Diagnostics Nichols Institute San Juan Capistrano and Women's Health and Genetics/Laboratory Corporation of America, LabCorp); PubMed 29394989 (cited by 3 submitters); PubMed 28814288 (cited by Quest Diagnostics Nichols Institute San Juan Capistrano and Women's Health and Genetics/Laboratory Corporation of America, LabCorp); PubMed 19043619 (cited by Women's Health and Genetics/Laboratory Corporation of America, LabCorp and Ambry Genetics); PubMed 11929857 (cited by Women's Health and Genetics/Laboratory Corporation of America, LabCorp and Ambry Genetics); PubMed 24323938 (cited by Women's Health and Genetics/Laboratory Corporation of America, LabCorp and Ambry Genetics); PubMed 29020732 (cited by Women's Health and Genetics/Laboratory Corporation of America, LabCorp and Ambry Genetics); PubMed 29580235 (cited by Women's Health and Genetics/Laboratory Corporation of America, LabCorp).

NM_000059.4(BRCA2):c.8360G>A (p.Arg2787His)

Gene: BRCA2 (BRCA2 DNA repair associated; plus strand). Cytogenetic location: 13q13.1.
Variant type: single nucleotide variant.
Coding change: c.8360G>A on transcript NM_000059.4 (MANE Select); coding-DNA position 8360, G replaced by A.
Protein change: p.Arg2787His; replaces arginine 2787 with histidine.
Molecular consequence: missense variant.
Genome position (GRCh38, 1-based): chr13:32,370,430, G>A. VCF-style: chr13-32370430-G-A. GRCh37 (hg19) VCF-style: chr13-32944567-G-A.
Other names: p.R2787H:CGC>CAC; 8588G>A; short protein forms R2787H.
Identifiers: ClinVar variation 38156 (VCV000038156.45), dbSNP rs80359078, ClinGen allele CA025601.